The following is an entry in ClinVar:

NM_001160372.4(TRAPPC9):c.166C>T (p.Arg56Cys)

Gene: TRAPPC9 (trafficking protein particle complex subunit 9; minus strand). Cytogenetic location: 8q24.3.
Variant type: single nucleotide variant.
Coding change: c.166C>T on transcript NM_001160372.4 (MANE Select); coding-DNA position 166, C replaced by T.
Protein change: p.Arg56Cys; replaces arginine 56 with cysteine.
Molecular consequence: missense variant. On other transcripts: non-coding transcript variant (1).
Genome position (GRCh38, 1-based): chr8:140,451,208, G>A on the plus strand (C>T on the coding strand, the complement: TRAPPC9 is on the minus strand). VCF-style: chr8-140451208-G-A. GRCh37 (hg19) VCF-style: chr8-141461307-G-A.
Other names: c.166C>T, p.Arg56Cys (NM_001321646.2, NM_001374682.1, NM_001374683.1 and 2 more transcripts); short protein forms R56C.
Identifiers: ClinVar variation 1027759 (VCV001027759.9), dbSNP rs1006238101, ClinGen allele CA186536406.

ClinVar aggregate classification (germline): Uncertain significance. Review status: criteria provided, multiple submitters, no conflicts (2 of 4 stars). 2 submissions from 2 submitters: Uncertain significance (2). Last evaluated 2024-10-23.

Conditions:
Intellectual developmental disorder, autosomal recessive 13. Also called: Intellectual disability, autosomal recessive 13. Identifiers: Orphanet 88616, MedGen C2750791, MONDO:0013173, OMIM 613192.

Allele frequency attached by ClinVar (database versions not stated): gnomAD 0.00001; gnomAD exomes 0.00001; TOPMed 0.00005.
gnomAD v4.1: 25 of 1,614,026 alleles (0.0015%); highest among the groups gnomAD compares: East Asian, 0.0022%; no homozygotes.

Submissions (2):

Labcorp Genetics (formerly Invitae), Labcorp
Classification: Uncertain significance. Last evaluated: 2024-10-23. Review status: criteria provided, single submitter. Criteria: Invitae Variant Classification Sherloc (09022015). Collection method: clinical testing. Allele origin: germline.
Comment: This sequence change replaces arginine with cysteine at codon 154 of the TRAPPC9 protein (p.Arg154Cys). The arginine residue is highly conserved and there is a large physicochemical difference between arginine and cysteine. This variant is present in population databases (no rsID available, gnomAD 0.003%). This variant has not been reported in the literature in individuals affected with TRAPPC9-related conditions. ClinVar contains an entry for this variant (Variation ID: 1027759). An algorithm developed to predict the effect of missense changes on protein structure and function (PolyPhen-2) suggests that this variant is likely to be disruptive. In summary, the available evidence is currently insufficient to determine the role of this variant in disease. Therefore, it has been classified as a Variant of Uncertain Significance.

Baylor Genetics
Classification: Uncertain significance for Intellectual developmental disorder, autosomal recessive 13. Last evaluated: 2019-07-27. Review status: criteria provided, single submitter. Criteria: ACMG Guidelines, 2015. Collection method: clinical testing. Allele origin: unknown. Affected: yes.
Comment: This variant was determined to be of uncertain significance according to ACMG Guidelines, 2015 [PMID:25741868].